The following is an entry in ClinVar:

ClinVar aggregate classification (germline): Uncertain significance. Review status: criteria provided, multiple submitters, no conflicts (2 of 4 stars). 8 submissions from 6 submitters: Uncertain significance (6). 2 of the submissions do not count toward it. Last evaluated 2025-12-08.

Conditions:
Amyotrophic lateral sclerosis type 5 (ALS5). Also called: AMYOTROPHIC LATERAL SCLEROSIS 5, JUVENILE. Identifiers: Orphanet 300605, MedGen C1865864, MONDO:0011196, OMIM 602099.
Charcot-Marie-Tooth disease axonal type 2X. Also called: CHARCOT-MARIE-TOOTH NEUROPATHY, TYPE 2X; CHARCOT-MARIE-TOOTH DISEASE, AXONAL, AUTOSOMAL RECESSIVE, TYPE 2X. Identifiers: Orphanet 466775, MedGen C5569024, MONDO:0014726, OMIM 616668.
Hereditary spastic paraplegia. Also called: Familial spastic paraparesis. Identifiers: Orphanet 685, MedGen C0037773, MONDO:0019064. Disease mechanism: loss of function.
Hereditary spastic paraplegia 11. Also called: SPASTIC PARAPLEGIA, AUTOSOMAL RECESSIVE, COMPLICATED, WITH THIN CORPUS CALLOSUM; SPASTIC PARAPLEGIA, AUTOSOMAL RECESSIVE, WITH MENTAL IMPAIRMENT AND THIN CORPUS CALLOSUM; Nakamura Osame syndrome; Autosomal recessive hereditary spastic paraplegia, mental impairment, and thin corpus callosum; Spastic paraplegia, mental retardation and thin corpus callosum; Spastic Paraplegia 11. Identifiers: Orphanet 2822, MedGen C1858479, MONDO:0011445, OMIM 604360.

Allele frequency attached by ClinVar (database versions not stated): ExAC 0.00001; gnomAD exomes 0.00001; TOPMed 0.00001; gnomAD 0.00002 and 0.00003.
gnomAD v4.1: 33 of 1,613,580 alleles (0.002%); highest among the groups gnomAD compares: East Asian, 0.0045%; no homozygotes.

Submissions (8):

Labcorp Genetics (formerly Invitae), Labcorp
Classification: Uncertain significance for Hereditary spastic paraplegia 11. Last evaluated: 2025-12-08. Review status: criteria provided, single submitter. Criteria: Invitae Variant Classification Sherloc (09022015). Collection method: clinical testing. Allele origin: germline.
Comment: This sequence change replaces arginine, which is basic and polar, with histidine, which is basic and polar, at codon 2318 of the SPG11 protein (p.Arg2318His). This variant is present in population databases (rs768408465, gnomAD 0.003%). This variant has not been reported in the literature in individuals affected with SPG11-related conditions. ClinVar contains an entry for this variant (Variation ID: 887758). Invitae Evidence Modeling of protein sequence and biophysical properties (such as structural, functional, and spatial information, amino acid conservation, physicochemical variation, residue mobility, and thermodynamic stability) indicates that this missense variant is not expected to disrupt SPG11 protein function with a negative predictive value of 80%. In summary, the available evidence is currently insufficient to determine the role of this variant in disease. Therefore, it has been classified as a Variant of Uncertain Significance.

Illumina Laboratory Services, Illumina
Classification: Uncertain significance for Hereditary spastic paraplegia 11. Last evaluated: 2018-01-13. Review status: criteria provided, single submitter. Criteria: ICSL Variant Classification Criteria 13 December 2019. Collection method: clinical testing. Allele origin: germline.

Genome Diagnostics Laboratory, The Hospital for Sick Children
Classification: Uncertain significance for Hereditary spastic paraplegia. Last evaluated: 2016-12-12. Review status: criteria provided, single submitter. Criteria: ACMG Guidelines, 2015. Collection method: clinical testing. Allele origin: germline. Affected: yes.

Genome-Nilou Lab
Classification: Uncertain significance for Amyotrophic lateral sclerosis type 5. Review status: criteria provided, single submitter. Criteria: ACMG Guidelines, 2015. Collection method: clinical testing. Allele origin: germline.

Genome-Nilou Lab
Classification: Uncertain significance for Charcot-Marie-Tooth disease axonal type 2X. Review status: criteria provided, single submitter. Criteria: ACMG Guidelines, 2015. Collection method: clinical testing. Allele origin: germline.

Genome-Nilou Lab
Classification: Uncertain significance for Hereditary spastic paraplegia 11. Review status: criteria provided, single submitter. Criteria: ACMG Guidelines, 2015. Collection method: clinical testing. Allele origin: germline.

Genome Diagnostics Laboratory, Amsterdam University Medical Center
Classification: Likely benign. Review status: no assertion criteria provided. Collection method: clinical testing. Allele origin: germline. Affected: yes. Study: VKGL Data-share Consensus. Not counted in ClinVar's aggregate classification.

Genome Diagnostics Laboratory, University Medical Center Utrecht
Classification: Benign. Review status: no assertion criteria provided. Collection method: clinical testing. Allele origin: germline. Affected: yes. Study: VKGL Data-share Consensus. Not counted in ClinVar's aggregate classification.

NM_025137.4(SPG11):c.6953G>A (p.Arg2318His)

Gene: SPG11 (SPG11 vesicle trafficking associated, spatacsin; minus strand). Cytogenetic location: 15q21.1.
Variant type: single nucleotide variant.
Coding change: c.6953G>A on transcript NM_025137.4 (MANE Select); coding-DNA position 6953, G replaced by A.
Protein change: p.Arg2318His; replaces arginine 2318 with histidine.
Molecular consequence: missense variant.
Genome position (GRCh38, 1-based): chr15:44,565,900, C>T on the plus strand (G>A on the coding strand, the complement: SPG11 is on the minus strand). VCF-style: chr15-44565900-C-T. GRCh37 (hg19) VCF-style: chr15-44858098-C-T.
Other names: c.6614G>A, p.Arg2205His (NM_001160227.2); short protein forms R2205H, R2318H.
Identifiers: ClinVar variation 887758 (VCV000887758.13), dbSNP rs768408465, ClinGen allele CA7533942.